The following is an entry in ClinVar:

NM_001089.3(ABCA3):c.4420C>T (p.Arg1474Trp)

Gene: ABCA3 (ATP binding cassette subfamily A member 3; minus strand). Cytogenetic location: 16p13.3.
Variant type: single nucleotide variant.
Coding change: c.4420C>T on transcript NM_001089.3 (MANE Select); coding-DNA position 4420, C replaced by T.
Protein change: p.Arg1474Trp; replaces arginine 1474 with tryptophan.
Molecular consequence: missense variant.
Genome position (GRCh38, 1-based): chr16:2,279,070, G>A on the plus strand (C>T on the coding strand, the complement: ABCA3 is on the minus strand). VCF-style: chr16-2279070-G-A. GRCh37 (hg19) VCF-style: chr16-2329071-G-A.
Other names: short protein forms R1474W.
Identifiers: ClinVar variation 504718 (VCV000504718.28), dbSNP rs146709251, ClinGen allele CA7840126.
Genomic context (GRCh38, chr16:2,279,070, plus strand): 5'-AGGCCCCGATGTGGCGCTCAGGGATGCCCCGGAGCCGAGCGTACATGACCAGCATCTCCC[G>A]GCCTGTCATGTGGTCCAGCAAGGCATCAAACTGCGGGCAGTAGCCGATCCGCTGCCGCAC-3'
Protein context (NP_001080.2, residues 1464-1484): FDALLDHMTG[Arg1474Trp]EMLVMYARLR

ClinVar aggregate classification (germline): Benign/Likely benign. Review status: criteria provided, multiple submitters, no conflicts (2 of 4 stars). 9 submissions from 9 submitters: Benign (4); Likely benign (2). 3 of the submissions do not count toward it. Last evaluated 2026-01-28.

Conditions:
Hereditary pulmonary alveolar proteinosis. Also called: Pulmonary surfactant metabolism dysfunction. Identifiers: Orphanet 264675, MedGen C3711368, MONDO:0012580.
ABCA3-related disorder. Also called: ABCA3-related condition.
Interstitial lung disease due to ABCA3 deficiency. Also called: PULMONARY ALVEOLAR PROTEINOSIS, CONGENITAL, 3. Identifiers: Orphanet 440402, MedGen C1970456, MONDO:0012582, OMIM 610921.

Allele frequency attached by ClinVar (database versions not stated): TOPMed 0.00203; 1000 Genomes Project 30x 0.00219; 1000 Genomes Project 0.00220; ESP Exome Variant Server 0.00246; gnomAD 0.00301 and 0.00308; gnomAD exomes 0.00378 and 0.00426; ExAC 0.00528.

Submissions (9):

Labcorp Genetics (formerly Invitae), Labcorp
Classification: Benign. Last evaluated: 2026-01-28. Review status: criteria provided, single submitter. Criteria: Invitae Variant Classification Sherloc (09022015). Collection method: clinical testing. Allele origin: germline.

GeneDx
Classification: Likely benign. Last evaluated: 2020-08-07. Review status: criteria provided, single submitter. Criteria: GeneDx Variant Classification Process June 2021. Collection method: clinical testing. Allele origin: germline. Affected: yes.
Comment: This variant is associated with the following publications: (PMID: 22866751, 25553246, 28724397, 23166334, 27374344)

Eurofins Ntd Llc (ga)
Classification: Likely benign. Last evaluated: 2017-10-19. Review status: criteria provided, single submitter. Criteria: EGL Classification Definitions 2015. Collection method: clinical testing. Allele origin: germline. Observed: 1 variant allele, 1 heterozygote.

Illumina Laboratory Services, Illumina
Classification: Benign for Interstitial lung disease due to ABCA3 deficiency. Last evaluated: 2017-07-14. Review status: criteria provided, single submitter. Criteria: ICSL Variant Classification Criteria 13 December 2019. Collection method: clinical testing. Allele origin: germline.
Comment: This variant was observed as part of a predisposition screen in an ostensibly healthy population. A literature search was performed for the gene, cDNA change, and amino acid change (where applicable). Publications were found based on this search. The evidence from the literature, in combination with allele frequency data from public databases where available, was sufficient to rule this variant out of causing disease. Therefore, this variant is classified as benign.

Ambry Genetics
Classification: Benign for Hereditary pulmonary alveolar proteinosis. Last evaluated: 2016-02-09. Review status: criteria provided, single submitter. Criteria: Ambry Variant Classification Scheme 2023. Collection method: clinical testing. Allele origin: germline.

Laboratory for Molecular Medicine, Mass General Brigham Personalized Medicine
Classification: Benign. Last evaluated: 2013-02-21. Review status: criteria provided, single submitter. Criteria: LMM Criteria. Collection method: clinical testing. Allele origin: germline. Observed: 1 variant allele.
Comment: Arg1474Trp in exon 29 of ABCA3: This variant is not expected to have clinical si gnificance because it has been identified in 3.8% (7/186) of Finnish chromosomes from a broad population by the 1000 Genomes Project (v/projects/SNP; dbSNP rs146709251).

PreventionGenetics, part of Exact Sciences
Classification: Benign for ABCA3-related condition. Last evaluated: 2019-06-19. Review status: no assertion criteria provided. Collection method: clinical testing. Allele origin: germline. Not counted in ClinVar's aggregate classification.
Comment: This variant is classified as benign based on ACMG/AMP sequence variant interpretation guidelines (Richards et al. 2015 PMID: 25741868, with internal and published modifications).

Clinical Genetics DNA and cytogenetics Diagnostics Lab, Erasmus MC, Erasmus Medical Center
Classification: Likely benign. Review status: no assertion criteria provided. Collection method: clinical testing. Allele origin: germline. Affected: yes. Study: VKGL Data-share Consensus. Not counted in ClinVar's aggregate classification.

Genome Diagnostics Laboratory, University Medical Center Utrecht
Classification: Likely benign. Review status: no assertion criteria provided. Collection method: clinical testing. Allele origin: germline. Affected: yes. Study: VKGL Data-share Consensus. Not counted in ClinVar's aggregate classification.

Literature cited by the submitters: PubMed 27374344 (cited by Illumina Laboratory Services, Illumina); PubMed 23166334 (cited by Illumina Laboratory Services, Illumina and Ambry Genetics); PubMed 25553246 (cited by Illumina Laboratory Services, Illumina); PubMed 22866751 (cited by Illumina Laboratory Services, Illumina and Ambry Genetics).